The following is an entry in ClinVar:

ClinVar aggregate classification (germline): Uncertain significance (1 of 4 stars; one submission).

gnomAD v4.1: 78 of 1,551,432 alleles (0.005%); highest among the groups gnomAD compares: Non-Finnish European, 0.0065%; no homozygotes.

Submission:

Mayo Clinic Laboratories, Mayo Clinic
Classification: Uncertain significance. Last evaluated: 2025-10-30. Review status: criteria provided, single submitter. Criteria: ACMG Guidelines, 2015. Collection method: clinical testing. Allele origin: germline. Observed: 1 variant allele.
Comment: BP4

NM_001098816.3(TENM4):c.947G>A (p.Arg316Gln)

Gene: TENM4 (teneurin transmembrane protein 4; minus strand). Cytogenetic location: 11q14.1.
Variant type: single nucleotide variant.
Coding change: c.947G>A on transcript NM_001098816.3 (MANE Select); coding-DNA position 947, G replaced by A.
Protein change: p.Arg316Gln; replaces arginine 316 with glutamine.
Molecular consequence: missense variant.
Genome position (GRCh38, 1-based): chr11:78,889,922, C>T on the plus strand (G>A on the coding strand, the complement: TENM4 is on the minus strand). VCF-style: chr11-78889922-C-T. GRCh37 (hg19) VCF-style: chr11-78600967-C-T.
Other names: p.Arg316Gln; short protein forms R316Q.
Identifiers: ClinVar variation 4541661 (VCV004541661.1), dbSNP rs267603209.